The following is an entry in ClinVar:

NM_006086.4(TUBB3):c.492G>T (p.Met164Ile)

Gene: TUBB3 (tubulin beta 3 class III; plus strand). Cytogenetic location: 16q24.3.
Variant type: single nucleotide variant.
Coding change: c.492G>T on transcript NM_006086.4 (MANE Select); coding-DNA position 492, G replaced by T.
Protein change: p.Met164Ile; replaces methionine 164 with isoleucine.
Molecular consequence: missense variant.
Genome position (GRCh38, 1-based): chr16:89,934,943, G>T. VCF-style: chr16-89934943-G-T. GRCh37 (hg19) VCF-style: chr16-90001351-G-T.
Other names: c.276G>T, p.Met92Ile (NM_001197181.2); short protein forms M164I, M92I.
Identifiers: ClinVar variation 1806802 (VCV001806802.1), dbSNP rs369172584, ClinGen allele CA8256117.
Genomic context (GRCh38, chr16:89,934,943, plus strand): 5'-CTCCGGCATGGGCACGTTGCTCATCAGCAAGGTGCGTGAGGAGTATCCCGACCGCATCAT[G>T]AACACCTTCAGCGTCGTGCCCTCACCCAAGGTGTCAGACACGGTGGTGGAGCCCTACAAC-3'
Protein context (NP_006077.2, residues 154-174): KVREEYPDRI[Met164Ile]NTFSVVPSPK

ClinVar aggregate classification (germline): Uncertain significance (1 of 4 stars; one submission).

Allele frequency attached by ClinVar (database versions not stated): TOPMed below 0.00001; ExAC 0.00001; gnomAD 0.00001; ESP Exome Variant Server 0.00008.

Submission:

GeneDx
Classification: Uncertain significance. Last evaluated: 2022-06-20. Review status: criteria provided, single submitter. Criteria: GeneDx Variant Classification Process June 2021. Collection method: clinical testing. Allele origin: germline. Affected: yes.
Comment: Missense variants in this gene are often considered pathogenic (HGMD); In silico analysis supports that this missense variant has a deleterious effect on protein structure/function; Has not been previously published as pathogenic or benign to our knowledge